The following is an entry in ClinVar:

NM_000397.4(CYBB):c.676C>T (p.Arg226Ter)

Gene: CYBB (cytochrome b-245 beta chain; plus strand). Cytogenetic location: Xp21.1.
Variant type: single nucleotide variant.
Coding change: c.676C>T on transcript NM_000397.4 (MANE Select); coding-DNA position 676, C replaced by T.
Protein change: p.Arg226Ter; replaces arginine 226 with a stop codon.
Molecular consequence: nonsense.
Genome position (GRCh38, 1-based): chrX:37,798,956, C>T. VCF-style: chrX-37798956-C-T. GRCh37 (hg19) VCF-style: chrX-37658209-C-T.
Other names: short protein forms R226*.
Identifiers: ClinVar variation 10929 (VCV000010929.45), dbSNP rs137854592, ClinGen allele CA121247.

ClinVar aggregate classification (germline): Pathogenic. Review status: criteria provided, multiple submitters, no conflicts (2 of 4 stars). 12 submissions from 12 submitters: Pathogenic (9). 3 of the submissions do not count toward it. Last evaluated 2025-10-31.

Conditions:
CYBB-related disorder. Also called: CYBB-related condition.
CYBB-related disorders.
Chronic granulomatous disease. Identifiers: Orphanet 379, MedGen C0018203, MONDO:0018305.
Granulomatous disease, chronic, X-linked. Also called: CYTOCHROME b-NEGATIVE GRANULOMATOUS DISEASE, CHRONIC, X-LINKED; GRANULOMATOUS DISEASE, CHRONIC, X-LINKED, SOMATIC MOSAIC. Identifiers: Orphanet 379, MedGen C1844376, MONDO:0010600, OMIM 306400.

Allele frequency attached by ClinVar (database versions not stated): TOPMed below 0.00001; gnomAD 0.00001; gnomAD exomes 0.00001.

Submissions (12):

Labcorp Genetics (formerly Invitae), Labcorp
Classification: Pathogenic for Granulomatous disease, chronic, X-linked. Last evaluated: 2025-10-31. Review status: criteria provided, single submitter. Criteria: Invitae Variant Classification Sherloc (09022015). Collection method: clinical testing. Allele origin: germline.
Comment: This sequence change creates a premature translational stop signal (p.Arg226*) in the CYBB gene. It is expected to result in an absent or disrupted protein product. Loss-of-function variants in CYBB are known to be pathogenic (PMID: 9585602, 20729109). The frequency data for this variant in the population databases is considered unreliable, as metrics indicate poor data quality at this position in the gnomAD database. This premature translational stop signal has been observed in individual(s) with X-linked chronic granulomatous disease (PMID: 1347621, 18546332, 20729109, 23859418, 29560547). ClinVar contains an entry for this variant (Variation ID: 10929). For these reasons, this variant has been classified as Pathogenic.

PreventionGenetics, part of Exact Sciences
Classification: Pathogenic for CYBB-related condition. Last evaluated: 2025-06-05. Review status: criteria provided, single submitter. Criteria: ACMG Guidelines, 2015. Collection method: clinical testing. Allele origin: germline.
Comment: The CYBB c.676C>T variant is predicted to result in premature protein termination (p.Arg226*). This variant has been reported in multiple individuals with chronic granulomatous disease (Chiu et al. 2022. PubMed ID: 35140711; Kannengiesser et al. 2008. PubMed ID: 18546332; Kulkarni et al. 2018. PubMed ID: 30470980; Zhou et al. 2018. PubMed ID: 29560547) and in one individual with primary immunodeficiency (Chi et al. 2018. PubMed ID: 30290665). This variant is reported in 0.0080% of alleles in individuals of African descent in gnomAD. Nonsense variants in CYBB are expected to be pathogenic. This variant is interpreted as pathogenic.

CeGaT Center for Human Genetics Tuebingen
Classification: Pathogenic. Last evaluated: 2025-01-01. Review status: criteria provided, single submitter. Criteria: CeGaT Center For Human Genetics Tuebingen Variant Classification Criteria Version 2. Collection method: clinical testing. Allele origin: germline. Affected: yes. Observed: 1 variant allele.
Comment: CYBB: PVS1, PM2, PS4:Moderate, PS3:Supporting

GeneDx
Classification: Pathogenic. Last evaluated: 2021-11-22. Review status: criteria provided, single submitter. Criteria: GeneDx Variant Classification Process June 2021. Collection method: clinical testing. Allele origin: germline. Affected: yes.
Comment: Published functional studies demonstrated lack of protein expression in neutrophil cells of affected individuals with the p.(R226X) variant (Sun et al., 2012); Nonsense variant predicted to result in protein truncation or nonsense mediated decay in a gene for which loss-of-function is a known mechanism of disease; Not observed at a significant frequency in large population cohorts (Lek et al., 2016); This variant is associated with the following publications: (PMID: 8634410, 1347621, 23859418, 25525159, 10914676, 16569599, 11162142, 9585602, 18546332, 20729109, 24999735, 28153086, 28577521, 28006982, 29560547, 21190454, 30290665, 30470980, 7949143, 31522453, 32040803, 32954498, 34134972, 33717137, 22924737)

Revvity Omics, Revvity
Classification: Pathogenic. Last evaluated: 2021-04-02. Review status: criteria provided, single submitter. Criteria: ACMG Guidelines, 2015. Collection method: clinical testing. Allele origin: germline.

Blueprint Genetics
Classification: Pathogenic for CYBB-related disorders. Last evaluated: 2020-11-02. Review status: criteria provided, single submitter. Criteria: ACMG Guidelines, 2015. Collection method: clinical testing. Allele origin: germline. Affected: yes. Observed: 2 variant alleles.

ARUP Laboratories, Molecular Genetics and Genomics, ARUP Laboratories
Classification: Pathogenic. Last evaluated: 2017-10-10. Review status: criteria provided, single submitter. Criteria: ARUP Molecular Germline Variant Investigation Process. Collection method: clinical testing. Allele origin: germline.
Comment: The CYBB c.676C>T, p.Arg226Ter variant is reported in the medical literature in multiple individuals diagnosed with X-linked chronic granulomatous disease (CGD) (Curnette 1992, Roos 1996, Rae 1998, Ishibashi 2000, Heyworth 2001, Gerard 2001, von Goessel 2006, Kannengiesser 2008), and listed as pathogenic in CYBB variant database (CYBBbase) (Roos 2010). Functional characterization indicates that the variant leads to the loss of NAPDH-oxidase activity (Curnette 1992, von Goessel 2006, Kannengiesser 2008), resulting in functionally defective neurophils (Kannengiesser 2008). The variant is listed in the ClinVar database (Variation ID: 10929) and the dbSNP variant database (rs137854592). It is not observed in the general population databases, such as the 1000 Genomes Project, the Exome Variant Server, and the Exome Aggregation Consortium (ExAC). The variant introduces a premature termination codon and is predicted to result in a truncated protein or mRNA subject to non-sense mediated decay. Based on the above information, this variant is classified as pathogenic. References: Curnutte J et al. Studying X inactivation. Lancet. 1992 339(8795):749. Gerard B et al. Characterization of 11 novel mutations in the X-linked chronic granulomatous disease (CYBB gene). Hum Mutat. 2001 18(2):163. Heyworth P et al. Hematologically important mutations: X-linked chronic granulomatous disease (second update). Blood Cells Mol Dis. 2001 27(1):16-26. Ishibashi F et al. Statistical and mutational analysis of chronic granulomatous disease in Japan with special reference to gp91-phox and p22-phox deficiency. Hum Genet. 2000 106(5):473-81. Kannengiesser C et al. Molecular epidemiology of chronic granulomatous disease in a series of 80 kindreds: identification of 31 novel mutations. Hum Mutat. 2008 29(9):E132-49. Rae J et al. X-Linked chronic granulomatous disease: mutations in the CYBB gene encoding the gp91-phox component of respiratory-burst oxidase. Am J Hum Genet.1998 62(6):1320-31. Roos D et al. Hematologically important mutations: X-linked chronic granulomatous disease (third update). Blood Cells Mol Dis. 2010 45(3):246-65. Roos D et al. Mutations in the X-linked and autosomal recessive forms of chronic granulomatous disease. Blood.1996 87(5):1663-81. Von Goessel H et al. Characterization of 17 new cases of X-linked chronic granulomatous disease with seven novel mutations in the CYBB gene. Exp Hematol. 2006 34(4):528-35.

Center of Genomic medicine, Geneva, University Hospital of Geneva
Classification: Pathogenic for Granulomatous disease, chronic, X-linked. Last evaluated: 2017-06-09. Review status: criteria provided, single submitter. Criteria: ACMG Guidelines, 2015. Collection method: clinical testing. Allele origin: maternal. Affected: yes.

Women's Health and Genetics/Laboratory Corporation of America, LabCorp
Classification: Pathogenic for Granulomatous disease, chronic, X-linked. Last evaluated: 2016-07-29. Review status: criteria provided, single submitter. Criteria: LabCorp Variant Classification Summary - May 2015. Collection method: clinical testing. Allele origin: germline.
Comment: Variant summary: The CYBB c.676C>T (p.Arg226X) variant results in a premature termination codon, predicted to cause a truncated or absent CYBB protein due to nonsense mediated decay, which are commonly known mechanisms for disease. The variant of interest was not observed in controls (ExAC, 1000 Gs or ESP) and has been reported in multiple affected individuals. In addition, a reputable database cites the variant as "pathogenic." Therefore, the variant of interest has been classified as Pathogenic.

Laboratory of Research in Genomics, Genetics and Bioinformatics, Hospital Infantil de Mexico Federico Gomez
Classification: Pathogenic for Granulomatous disease, chronic, X-linked. Last evaluated: 2025-04-08. Review status: no assertion criteria provided. Collection method: research. Allele origin: germline. Affected: yes. Not counted in ClinVar's aggregate classification.

Natera, Inc.
Classification: Pathogenic for Chronic granulomatous disease. Last evaluated: 2018-01-17. Review status: no assertion criteria provided. Collection method: clinical testing. Allele origin: germline. Not counted in ClinVar's aggregate classification.

OMIM
Classification: Pathogenic for GRANULOMATOUS DISEASE, CHRONIC, X-LINKED. Last evaluated: 1992-03-21. Review status: no assertion criteria provided. Collection method: literature only. Allele origin: unknown. Not counted in ClinVar's aggregate classification.

Literature cited by the submitters: PubMed 9585602 (cited by Labcorp Genetics (formerly Invitae), Labcorp); PubMed 20729109 (cited by Labcorp Genetics (formerly Invitae), Labcorp); PubMed 1347621 (cited by Labcorp Genetics (formerly Invitae), Labcorp and OMIM); PubMed 18546332 (cited by Labcorp Genetics (formerly Invitae), Labcorp); PubMed 23859418 (cited by Labcorp Genetics (formerly Invitae), Labcorp); PubMed 29560547 (cited by Labcorp Genetics (formerly Invitae), Labcorp); PubMed 22924737 (cited by Women's Health and Genetics/Laboratory Corporation of America, LabCorp); PubMed 21190454 (cited by Women's Health and Genetics/Laboratory Corporation of America, LabCorp).